The following is an entry in ClinVar:

ClinVar aggregate classification (germline): Likely benign. Review status: criteria provided, multiple submitters, no conflicts (2 of 4 stars). 3 submissions from 3 submitters: Likely benign (2). 1 of the submissions does not count toward it. Last evaluated 2016-03-29.

Conditions:
DNAH2-related disorder. Also called: DNAH2-related condition.

Allele frequency attached by ClinVar (database versions not stated): 1000 Genomes Project 0.01418; 1000 Genomes Project 30x 0.01483; TOPMed 0.02324; gnomAD 0.02467 and 0.02472; ESP Exome Variant Server 0.02783.
gnomAD v4.1: 50,994 of 1,614,136 alleles (3.2%); highest among the groups gnomAD compares: Non-Finnish European, 3.6%; 911 homozygotes.

Submissions (3):

Laboratory for Molecular Medicine, Mass General Brigham Personalized Medicine
Classification: Likely benign. Last evaluated: 2016-03-29. Review status: criteria provided, single submitter. Criteria: LMM Criteria. Collection method: clinical testing. Allele origin: germline.
Comment: Variant identified in a genome or exome case(s) and assessed due to predicted null impact of the variant or pathogenic assertions in the literature or databases. Disclaimer: This variant has not undergone full assessment. The following are preliminary notes: Frequency

Breakthrough Genomics
Classification: Likely benign. Review status: criteria provided, single submitter. Criteria: ACMG Guidelines, 2015. Collection method: not provided. Allele origin: germline. Inheritance: Autosomal recessive inheritance. Affected: yes.

PreventionGenetics, part of Exact Sciences
Classification: Benign for DNAH2-related condition. Last evaluated: 2019-10-17. Review status: no assertion criteria provided. Collection method: clinical testing. Allele origin: germline. Not counted in ClinVar's aggregate classification.
Comment: This variant is classified as benign based on ACMG/AMP sequence variant interpretation guidelines (Richards et al. 2015 PMID: 25741868, with internal and published modifications).

NM_020877.5(DNAH2):c.12974C>G (p.Pro4325Arg)

Gene: DNAH2 (dynein axonemal heavy chain 2; plus strand). Cytogenetic location: 17p13.1.
Variant type: single nucleotide variant.
Coding change: c.12974C>G on transcript NM_020877.5 (MANE Select); coding-DNA position 12974, C replaced by G.
Protein change: p.Pro4325Arg; replaces proline 4325 with arginine.
Molecular consequence: missense variant.
Genome position (GRCh38, 1-based): chr17:7,832,924, C>G. VCF-style: chr17-7832924-C-G. GRCh37 (hg19) VCF-style: chr17-7736242-C-G.
Other names: c.12974C>G (NM_020877.3); short protein forms P4325R.
Identifiers: ClinVar variation 402718 (VCV000402718.7), dbSNP rs116930996, ClinGen allele CA8359893.